The following is an entry in ClinVar:

NM_194248.3(OTOF):c.829_897+276delinsCTGTGAAAGAAC

Gene: OTOF (otoferlin; minus strand). Cytogenetic location: 2p23.3.
Variant type: Indel.
Coding change: c.829_897+276delinsCTGTGAAAGAAC on transcript NM_194248.3 (MANE Select); coding-DNA position 829 through 276 bases into the intron after coding-DNA position 897, the reference bases replaced by CTGTGAAAGAAC.
Molecular consequence: splice donor variant.
Genome position (GRCh38, 1-based): chr2:26,494,666-26,495,010, 345 bases replaced. GRCh37 (hg19): chr2:26,717,534-26,717,878.
Other names: c.829_897+276delinsCTGTGAAAGAAC (NM_001287489.2).
Identifiers: ClinVar variation 3633151 (VCV003633151.2).

ClinVar aggregate classification (germline): Likely pathogenic (1 of 4 stars; one submission).

Submission:

Labcorp Genetics (formerly Invitae), Labcorp
Classification: Likely pathogenic. Last evaluated: 2024-01-23. Review status: criteria provided, single submitter. Criteria: Invitae Variant Classification Sherloc (09022015). Collection method: clinical testing. Allele origin: germline.
Comment: This variant results in the deletion of part of exon 9 (c.829_897+276delinsCTGTGAAAGAAC) of the OTOF gene. It is expected to disrupt RNA splicing. Variants that disrupt the donor or acceptor splice site typically lead to a loss of protein function (PMID: 16199547), and loss-of-function variants in OTOF are known to be pathogenic (PMID: 18381613, 19250381, 22575033). This variant is not present in population databases (gnomAD no frequency). This variant has not been reported in the literature in individuals affected with OTOF-related conditions. In summary, the currently available evidence indicates that the variant is pathogenic, but additional data are needed to prove that conclusively. Therefore, this variant has been classified as Likely Pathogenic.

Literature cited by the submitters: PubMed 16199547; PubMed 18381613; PubMed 19250381; PubMed 22575033.